The following is an entry in ClinVar:

NM_004329.3(BMPR1A):c.1402G>C (p.Glu468Gln)

Gene: BMPR1A (bone morphogenetic protein receptor type 1A; plus strand). Cytogenetic location: 10q23.2.
Variant type: single nucleotide variant.
Coding change: c.1402G>C on transcript NM_004329.3 (MANE Select); coding-DNA position 1402, G replaced by C.
Protein change: p.Glu468Gln; replaces glutamic acid 468 with glutamine.
Molecular consequence: missense variant.
Genome position (GRCh38, 1-based): chr10:86,923,435, G>C. VCF-style: chr10-86923435-G-C. GRCh37 (hg19) VCF-style: chr10-88683192-G-C.
Other names: short protein forms E468Q.
Identifiers: ClinVar variation 449731 (VCV000449731.19), dbSNP rs199907158, ClinGen allele CA377462918.

ClinVar aggregate classification (germline): Uncertain significance. Review status: criteria provided, multiple submitters, no conflicts (2 of 4 stars). 5 submissions from 5 submitters: Uncertain significance (5). Last evaluated 2025-04-08.

Conditions:
Juvenile polyposis syndrome (JPS). Identifiers: Orphanet 2929, MedGen C0345893, MONDO:0017380, OMIM 174900.
Hereditary cancer-predisposing syndrome. Also called: Tumor predisposition; Hereditary Cancer Syndrome; Neoplastic Syndromes, Hereditary; Hereditary neoplastic syndrome. Identifiers: Orphanet 140162, MedGen C0027672, MeSH D009386, MONDO:0015356.

gnomAD v4.1: 1 of 1,614,182 alleles (0.000062%); highest among the groups gnomAD compares: Admixed American, 0.0017%; no homozygotes.

Submissions (5):

Color Diagnostics, LLC DBA Color Health
Classification: Uncertain significance for Hereditary cancer-predisposing syndrome. Last evaluated: 2025-04-08. Review status: criteria provided, single submitter. Criteria: ACMG Guidelines, 2015. Collection method: clinical testing. Allele origin: germline.
Comment: This missense variant replaces glutamic acid with glutamine at codon 468 of the BMPR1A protein. Computational prediction suggests that this variant may not impact protein structure and function. To our knowledge, functional studies have not been reported for this variant. This variant has not been reported in individuals affected with BMPR1A-related disorders in the literature. This variant has not been identified in the general population by the Genome Aggregation Database (gnomAD). The available evidence is insufficient to determine the role of this variant in disease conclusively. Therefore, this variant is classified as a Variant of Uncertain Significance.

Ambry Genetics
Classification: Uncertain significance for Hereditary cancer-predisposing syndrome. Last evaluated: 2024-12-06. Review status: criteria provided, single submitter. Criteria: Ambry Variant Classification Scheme 2023. Collection method: clinical testing. Allele origin: germline.
Comment: The p.E468Q variant (also known as c.1402G>C), located in coding exon 10 of the BMPR1A gene, results from a G to C substitution at nucleotide position 1402. The glutamic acid at codon 468 is replaced by glutamine, an amino acid with highly similar properties. This amino acid position is highly conserved in available vertebrate species. In addition, the in silico prediction for this alteration is inconclusive. Since supporting evidence is limited at this time, the clinical significance of this alteration remains unclear.

All of Us Research Program, National Institutes of Health
Classification: Uncertain significance for Juvenile polyposis syndrome. Last evaluated: 2023-06-26. Review status: criteria provided, single submitter. Criteria: ACMG Guidelines, 2015. Collection method: clinical testing. Allele origin: germline. Inheritance: Autosomal dominant inheritance. Observed: 1 variant allele, 1 heterozygote.
Comment: This missense variant replaces glutamic acid with glutamine at codon 468 of the BMPR1A protein. Computational prediction suggests that this variant may not impact protein structure and function (internally defined REVEL score threshold <= 0.5, PMID: 27666373). To our knowledge, functional studies have not been reported for this variant. This variant has not been reported in individuals affected with BMPR1A-related disorders in the literature. This variant has not been identified in the general population by the Genome Aggregation Database (gnomAD). The available evidence is insufficient to determine the role of this variant in disease conclusively. Therefore, this variant is classified as a Variant of Uncertain Significance.

This study involves interpretation of variants in research participants for the purpose of population health screening. Participant phenotype was not available at the time of variant classification. Additional details can be found in publication PMID: 35346344, PMCID: PMC8962531

Labcorp Genetics (formerly Invitae), Labcorp
Classification: Uncertain significance for Juvenile polyposis syndrome. Last evaluated: 2023-06-17. Review status: criteria provided, single submitter. Criteria: Invitae Variant Classification Sherloc (09022015). Collection method: clinical testing. Allele origin: germline.
Comment: This sequence change replaces glutamic acid, which is acidic and polar, with glutamine, which is neutral and polar, at codon 468 of the BMPR1A protein (p.Glu468Gln). This variant is not present in population databases (gnomAD no frequency). In summary, the available evidence is currently insufficient to determine the role of this variant in disease. Therefore, it has been classified as a Variant of Uncertain Significance. Advanced modeling of protein sequence and biophysical properties (such as structural, functional, and spatial information, amino acid conservation, physicochemical variation, residue mobility, and thermodynamic stability) performed at Invitae indicates that this missense variant is not expected to disrupt BMPR1A protein function. ClinVar contains an entry for this variant (Variation ID: 449731). This variant has not been reported in the literature in individuals affected with BMPR1A-related conditions.

GeneDx
Classification: Uncertain significance. Last evaluated: 2017-06-01. Review status: criteria provided, single submitter. Criteria: GeneDx Variant Classification (06012015). Collection method: clinical testing. Allele origin: germline. Affected: yes.
Comment: This variant is denoted BMPR1A c.1402G>C at the cDNA level, p.Glu468Gln (E468Q) at the protein level, and results in the change of a Glutamic Acid to a Glutamine (GAA>CAA). This variant has not, to our knowledge, been published in the literature as pathogenic or benign. BMPR1A Glu468Gln was not observed in large population cohorts (NHLBI Exome Sequencing Project, The 1000 Genomes Consortium 2015, Lek 2016). Since Glutamic Acid and Glutamine differ in some properties, this is considered a semi-conservative amino acid substitution. BMPR1A Glu468Gln occurs at a position that is conserved across species and is located in the protein kinase domain and cytoplasmic topological domain (Howe 2004, UniProt). In silico analyses predict that this variant is probably damaging to protein structure and function. Based on currently available evidence, it is unclear whether BMPR1A Glu468Gln is a pathogenic or benign variant. We consider it to be a variant of uncertain significance.